The following is an entry in ClinVar:

NM_001110556.2(FLNA):c.5313+4C>A

Gene: FLNA (filamin A; minus strand). Cytogenetic location: Xq28.
Variant type: single nucleotide variant.
Coding change: c.5313+4C>A on transcript NM_001110556.2 (MANE Select); 4 bases into the intron after coding-DNA position 5313, C replaced by A.
Molecular consequence: intron variant.
Genome position (GRCh38, 1-based): chrX:154,354,612, G>T on the plus strand (C>A on the coding strand, the complement: FLNA is on the minus strand). VCF-style: chrX-154354612-G-T. GRCh37 (hg19) VCF-style: chrX-153582980-G-T.
Other names: c.5289+4C>A (NM_001456.4).
Identifiers: ClinVar variation 3757814 (VCV003757814.2).

ClinVar aggregate classification (germline): Uncertain significance (1 of 4 stars; one submission).

Conditions:
Melnick-Needles syndrome (MNS). Also called: MELNICK-NEEDLES OSTEODYSPLASTY; OSTEODYSPLASTY OF MELNICK AND NEEDLES; Melnick-Needles Syndrome (FLNA-MNS). Identifiers: Orphanet 2484, MedGen C0025237, MONDO:0010650, OMIM 309350.
Frontometaphyseal dysplasia (FMD1). Identifiers: Orphanet 1826, MedGen C0265293, MONDO:0015942.
Heterotopia, periventricular, X-linked dominant (PVNH1). Also called: PERIVENTRICULAR NODULAR HETEROTOPIA 1; X-linked periventricular heterotopia; PERIVENTRICULAR NODULAR HETEROTOPIA 4; HETEROTOPIA, PERIVENTRICULAR, 1. Identifiers: Orphanet 2149, Orphanet 82004, MedGen C1848213, MONDO:0010233, OMIM 300049.
Oto-palato-digital syndrome, type II (OPD2). Also called: FACIOPALATOOSSEOUS SYNDROME; OPD II SYNDROME; Otopalatodigital Syndrome, Type II; Otopalatodigital Syndrome Type 2 (FLNA-OPD2). Identifiers: Orphanet 669, Orphanet 90652, MedGen C1844696, MONDO:0010571, OMIM 304120.

Submission:

Labcorp Genetics (formerly Invitae), Labcorp
Classification: Uncertain significance for Oto-palato-digital syndrome, type II; Heterotopia, periventricular, X-linked dominant; Frontometaphyseal dysplasia; Melnick-Needles syndrome. Last evaluated: 2024-08-24. Review status: criteria provided, single submitter. Criteria: Invitae Variant Classification Sherloc (09022015). Collection method: clinical testing. Allele origin: germline.
Comment: This sequence change falls in intron 31 of the FLNA gene. It does not directly change the encoded amino acid sequence of the FLNA protein. It affects a nucleotide within the consensus splice site. This variant is not present in population databases (gnomAD no frequency). This variant has not been reported in the literature in individuals affected with FLNA-related conditions. Variants that disrupt the consensus splice site are a relatively common cause of aberrant splicing (PMID: 17576681, 9536098). Algorithms developed to predict the effect of sequence changes on RNA splicing suggest that this variant is not likely to affect RNA splicing. In summary, the available evidence is currently insufficient to determine the role of this variant in disease. Therefore, it has been classified as a Variant of Uncertain Significance.

Literature cited by the submitters: PubMed 17576681; PubMed 9536098.